The following is an entry in ClinVar:

NM_198578.4(LRRK2):c.1480C>T (p.His494Tyr)

Gene: LRRK2 (leucine rich repeat kinase 2; plus strand). Cytogenetic location: 12q12.
Variant type: single nucleotide variant.
Coding change: c.1480C>T on transcript NM_198578.4 (MANE Select); coding-DNA position 1480, C replaced by T.
Protein change: p.His494Tyr; replaces histidine 494 with tyrosine.
Molecular consequence: missense variant.
Genome position (GRCh38, 1-based): chr12:40,259,541, C>T. VCF-style: chr12-40259541-C-T. GRCh37 (hg19) VCF-style: chr12-40653343-C-T.
Other names: short protein forms H494Y.
Identifiers: ClinVar variation 3291981 (VCV003291981.1).

ClinVar aggregate classification (germline): Uncertain significance (1 of 4 stars; one submission).

Conditions:
Inborn genetic diseases. Identifiers: MedGen C0950123, MeSH D030342.

gnomAD v4.1: 1 of 1,613,340 alleles (0.000062%); no homozygotes.

Submission:

Ambry Genetics
Classification: Uncertain significance for Inborn genetic diseases. Last evaluated: 2024-04-28. Review status: criteria provided, single submitter. Criteria: Ambry Variant Classification Scheme 2023. Collection method: clinical testing. Allele origin: germline.
Comment: The p.H494Y variant (also known as c.1480C>T), located in coding exon 13 of the LRRK2 gene, results from a C to T substitution at nucleotide position 1480. The histidine at codon 494 is replaced by tyrosine, an amino acid with similar properties. This amino acid position is conserved. In addition, the in silico prediction for this alteration is inconclusive. Based on the available evidence, the clinical significance of this variant remains unclear.